The following is an entry in ClinVar:

NM_003072.5(SMARCA4):c.518A>C (p.Asn173Thr)

Gene: SMARCA4 (SWI/SNF related BAF chromatin remodeling complex subunit ATPase 4; plus strand). Cytogenetic location: 19p13.2.
Variant type: single nucleotide variant.
Coding change: c.518A>C on transcript NM_003072.5 (MANE Select); coding-DNA position 518, A replaced by C.
Protein change: p.Asn173Thr; replaces asparagine 173 with threonine.
Molecular consequence: missense variant. On other transcripts: non-coding transcript variant (1).
Genome position (GRCh38, 1-based): chr19:10,986,351, A>C. VCF-style: chr19-10986351-A-C. GRCh37 (hg19) VCF-style: chr19-11097027-A-C.
Other names: c.518A>C, p.Asn173Thr (NM_001128844.3, NM_001128845.2, NM_001128846.2 and 6 more transcripts); short protein forms N173T.
Identifiers: ClinVar variation 3958477 (VCV003958477.1).
Genomic context (GRCh38, chr19:10,986,351, plus strand): 5'-CGCTGGATGGTGCTGACCCCCAGGCCTTGGGGCAGCAGAACCGGGGCCCAACCCCATTTA[A>C]CCAGAACCAGCTGCACCAGCTCAGAGCTCAGATCATGGCCTACAAGATGCTGGCCAGGGG-3'
Protein context (NP_003063.2, residues 163-183): GQQNRGPTPF[Asn173Thr]QNQLHQLRAQ

ClinVar aggregate classification (germline): Uncertain significance (1 of 4 stars; one submission).

Conditions:
Hereditary cancer-predisposing syndrome. Also called: Tumor predisposition; Hereditary neoplastic syndrome; Hereditary Cancer Syndrome; Neoplastic Syndromes, Hereditary. Identifiers: Orphanet 140162, MedGen C0027672, MeSH D009386, MONDO:0015356.

Submission:

Ambry Genetics
Classification: Uncertain significance for Hereditary cancer-predisposing syndrome. Last evaluated: 2025-06-01. Review status: criteria provided, single submitter. Criteria: Ambry Variant Classification Scheme 2023. Collection method: clinical testing. Allele origin: germline.
Comment: The p.N173T variant (also known as c.518A>C), located in coding exon 3 of the SMARCA4 gene, results from an A to C substitution at nucleotide position 518. The asparagine at codon 173 is replaced by threonine, an amino acid with similar properties. This amino acid position is conserved. In addition, this alteration is predicted to be tolerated by in silico analysis. Based on the available evidence, the clinical significance of this variant remains unclear.